The following is an entry in ClinVar:

NM_001042492.3(NF1):c.794C>T (p.Ala265Val)

Gene: NF1 (neurofibromin 1; plus strand). Cytogenetic location: 17q11.2.
Variant type: single nucleotide variant.
Coding change: c.794C>T on transcript NM_001042492.3 (MANE Select); coding-DNA position 794, C replaced by T.
Protein change: p.Ala265Val; replaces alanine 265 with valine.
Molecular consequence: missense variant.
Genome position (GRCh38, 1-based): chr17:31,182,571, C>T. VCF-style: chr17-31182571-C-T. GRCh37 (hg19) VCF-style: chr17-29509589-C-T.
Other names: c.794C>T, p.Ala265Val (NM_000267.4, NM_001128147.3); short protein forms A265V.
Identifiers: ClinVar variation 1761352 (VCV001761352.5), dbSNP rs1393070691, ClinGen allele CA398990872.

ClinVar aggregate classification (germline): Uncertain significance. Review status: criteria provided, multiple submitters, no conflicts (2 of 4 stars). 2 submissions from 2 submitters: Uncertain significance (2). Last evaluated 2025-05-23.

Conditions:
Cardiovascular phenotype. Identifiers: MedGen CN230736.
Hereditary cancer-predisposing syndrome. Also called: Neoplastic Syndromes, Hereditary; Tumor predisposition; Hereditary neoplastic syndrome; Hereditary Cancer Syndrome. Identifiers: Orphanet 140162, MedGen C0027672, MeSH D009386, MONDO:0015356.
Neurofibromatosis, type 1 (NF1). Also called: Peripheral type neurofibromatosis; VON RECKLINGHAUSEN DISEASE; NEUROFIBROMATOSIS, TYPE I, SOMATIC; Neurofibromatosis, type I. Identifiers: Orphanet 636, MedGen C0027831, MONDO:0018975, OMIM 162200. Disease mechanism: loss of function.

Submissions (2):

Labcorp Genetics (formerly Invitae), Labcorp
Classification: Uncertain significance for Neurofibromatosis, type 1. Last evaluated: 2025-05-23. Review status: criteria provided, single submitter. Criteria: Invitae Variant Classification Sherloc (09022015). Collection method: clinical testing. Allele origin: germline.
Comment: This sequence change replaces alanine, which is neutral and non-polar, with valine, which is neutral and non-polar, at codon 265 of the NF1 protein (p.Ala265Val). This variant is not present in population databases (gnomAD no frequency). This variant has not been reported in the literature in individuals affected with NF1-related conditions. ClinVar contains an entry for this variant (Variation ID: 1761352). Invitae Evidence Modeling of protein sequence and biophysical properties (such as structural, functional, and spatial information, amino acid conservation, physicochemical variation, residue mobility, and thermodynamic stability) indicates that this missense variant is expected to disrupt NF1 protein function with a positive predictive value of 95%. In summary, the available evidence is currently insufficient to determine the role of this variant in disease. Therefore, it has been classified as a Variant of Uncertain Significance.

Ambry Genetics
Classification: Uncertain significance for Cardiovascular phenotype; Hereditary cancer-predisposing syndrome. Last evaluated: 2021-02-11. Review status: criteria provided, single submitter. Criteria: Ambry Variant Classification Scheme 2023. Collection method: clinical testing. Allele origin: germline.
Comment: The p.A265V variant (also known as c.794C>T), located in coding exon 8 of the NF1 gene, results from a C to T substitution at nucleotide position 794. The alanine at codon 265 is replaced by valine, an amino acid with similar properties. This amino acid position is highly conserved in available vertebrate species. In addition, the in silico prediction for this alteration is inconclusive. Since supporting evidence is limited at this time, the clinical significance of this alteration remains unclear.